The following is an entry in ClinVar:

NM_000264.5(PTCH1):c.1351G>C (p.Ala451Pro)

Gene: PTCH1 (patched 1; minus strand). Cytogenetic location: 9q22.32.
Variant type: single nucleotide variant.
Coding change: c.1351G>C on transcript NM_000264.5 (MANE Select); coding-DNA position 1351, G replaced by C.
Protein change: p.Ala451Pro; replaces alanine 451 with proline.
Molecular consequence: missense variant. On other transcripts: non-coding transcript variant (1), intron variant (1).
Genome position (GRCh38, 1-based): chr9:95,477,699, C>G on the plus strand (G>C on the coding strand, the complement: PTCH1 is on the minus strand). VCF-style: chr9-95477699-C-G. GRCh37 (hg19) VCF-style: chr9-98239981-C-G.
Other names: c.1153G>C, p.Ala385Pro (NM_001083602.3); c.1348G>C, p.Ala450Pro (NM_001083603.3); c.898G>C, p.Ala300Pro (NM_001083604.3, NM_001083605.3, NM_001083606.3 and 1 more transcripts); c.1347+356G>C (NM_001354918.2); short protein forms A385P, A451P, A300P, A450P.
Identifiers: ClinVar variation 2696047 (VCV002696047.3), dbSNP rs142791675, ClinGen allele CA374118679.
Genomic context (GRCh38, chr9:95,477,699, plus strand): 5'-GCCCCACGGCACCCTGGGACTTGGAGCAGTCCCAGCGCAGCATGGTTAGACAGGCATAGG[C>G]GAGCTGCAAGCAGAACAATGGGGGCACAGAACAAAAGCCGAACATTAGAATGTGTTGTGA-3'
Protein context (NP_000255.2, residues 441-461): RVASGYLLML[Ala451Pro]YACLTMLRWD

ClinVar aggregate classification (germline): Uncertain significance (1 of 4 stars; one submission).

Conditions:
Gorlin syndrome. Also called: Nevoid Basal Cell Carcinoma Syndrome; Basal cell nevus syndrome. Identifiers: Orphanet 377, MedGen C0004779, MONDO:0007187.

Submission:

Labcorp Genetics (formerly Invitae), Labcorp
Classification: Uncertain significance for Gorlin syndrome. Last evaluated: 2023-11-15. Review status: criteria provided, single submitter. Criteria: Invitae Variant Classification Sherloc (09022015). Collection method: clinical testing. Allele origin: germline.
Comment: This sequence change replaces alanine, which is neutral and non-polar, with proline, which is neutral and non-polar, at codon 451 of the PTCH1 protein (p.Ala451Pro). This variant is not present in population databases (gnomAD no frequency). This variant has not been reported in the literature in individuals affected with PTCH1-related conditions. Advanced modeling of protein sequence and biophysical properties (such as structural, functional, and spatial information, amino acid conservation, physicochemical variation, residue mobility, and thermodynamic stability) performed at Invitae indicates that this missense variant is not expected to disrupt PTCH1 protein function with a negative predictive value of 95%. In summary, the available evidence is currently insufficient to determine the role of this variant in disease. Therefore, it has been classified as a Variant of Uncertain Significance.